The following is an entry in ClinVar:

NM_001159773.2(CANT1):c.982G>A (p.Gly328Ser)

Gene: CANT1 (calcium activated nucleotidase 1; minus strand). Cytogenetic location: 17q25.3.
Variant type: single nucleotide variant.
Coding change: c.982G>A on transcript NM_001159773.2 (MANE Select); coding-DNA position 982, G replaced by A.
Protein change: p.Gly328Ser; replaces glycine 328 with serine.
Molecular consequence: missense variant.
Genome position (GRCh38, 1-based): chr17:78,993,774, C>T on the plus strand (G>A on the coding strand, the complement: CANT1 is on the minus strand). VCF-style: chr17-78993774-C-T. GRCh37 (hg19) VCF-style: chr17-76989856-C-T.
Other names: c.982G>A, p.Gly328Ser (NM_001159772.2, NM_138793.4); c.982G>A (NM_138793.3); short protein forms G328S.
Identifiers: ClinVar variation 1505919 (VCV001505919.7), dbSNP rs369108479, ClinGen allele CA8808548.
Genomic context (GRCh38, chr17:78,993,774, plus strand): 5'-TGAAGGACGAGAAGCCGTGAGTGGGGACCACCGCCCCGACGTGGCTCACAGCGATGTCGC[C>T]GAAGTCAGGGGAGGCGCTCAGCAGCAGGTTGGCGCCCTTGCGCTCGTCGTCCTTCTCGCT-3'
Protein context (NP_001153245.1, residues 318-338): NLLLSASPDF[Gly328Ser]DIAVSHVGAV

ClinVar aggregate classification (germline): Conflicting classifications of pathogenicity. Review status: criteria provided, conflicting classifications (1 of 4 stars). 2 submissions from 2 submitters: Uncertain significance (1); Likely benign (1). Last evaluated 2025-01-20.

Conditions:
Inborn genetic diseases. Identifiers: MedGen C0950123, MeSH D030342.

Allele frequency attached by ClinVar (database versions not stated): ExAC 0.00003; gnomAD 0.00006 and 0.00007; ESP Exome Variant Server 0.00008.
gnomAD v4.1: 175 of 1,612,864 alleles (0.011%); highest among the groups gnomAD compares: Non-Finnish European, 0.014%; no homozygotes.

Submissions (2):

Labcorp Genetics (formerly Invitae), Labcorp
Classification: Uncertain significance. Last evaluated: 2025-01-20. Review status: criteria provided, single submitter. Criteria: Invitae Variant Classification Sherloc (09022015). Collection method: clinical testing. Allele origin: germline.
Comment: This sequence change replaces glycine, which is neutral and non-polar, with serine, which is neutral and polar, at codon 328 of the CANT1 protein (p.Gly328Ser). This variant is present in population databases (rs369108479, gnomAD 0.01%). This variant has not been reported in the literature in individuals affected with CANT1-related conditions. ClinVar contains an entry for this variant (Variation ID: 1505919). Invitae Evidence Modeling of protein sequence and biophysical properties (such as structural, functional, and spatial information, amino acid conservation, physicochemical variation, residue mobility, and thermodynamic stability) indicates that this missense variant is not expected to disrupt CANT1 protein function with a negative predictive value of 95%. In summary, the available evidence is currently insufficient to determine the role of this variant in disease. Therefore, it has been classified as a Variant of Uncertain Significance.

Ambry Genetics
Classification: Likely benign for Inborn genetic diseases. Last evaluated: 2021-07-09. Review status: criteria provided, single submitter. Criteria: Ambry Variant Classification Scheme 2023. Collection method: clinical testing. Allele origin: germline.